The following is an entry in ClinVar:

Single allele

Genes: H2BW1 (H2B.W histone 1; minus strand), H2BW2 (H2B.W histone 2; plus strand), PLP1 (proteolipid protein 1; plus strand), RAB9B (RAB9B, member RAS oncogene family; minus strand), TMSB15B (thymosin beta 15B; plus strand) and 3 more. Cytogenetic location: Xq22.2.
Variant type: Complex.
Identifiers: ClinVar variation 1810757 (VCV001810757.2).

ClinVar aggregate classification (germline): Uncertain significance (1 of 4 stars; one submission).

Conditions:
Pelizaeus-Merzbacher disease. Also called: LEUKODYSTROPHY, HYPOMYELINATING, 1; Pelizaeus-Merzbacher spectrum disorder; Pelizaeus-Merzbacher Disease (PMD); Pelizeaus-Merzbacher spectrum disorder; Sudanophilic leukodystrophy. Identifiers: Orphanet 702, MedGen C0205711, MONDO:0010714, OMIM 312080, HP:0003269.

Submission:

Optical Genome Mapping Laboratory, Clinical Institute of Genomic Medicine, University Medical Center Ljubljana
Classification: Uncertain significance for Pelizaeus-Merzbacher disease. Last evaluated: 2023-01-06. Review status: criteria provided, single submitter. Criteria: ACMG/ClinGen CNV Guidelines, 2019. Collection method: clinical testing. Allele origin: maternal. Affected: no. Observed: 1 hemizygote.
Comment: Optical genome mapping identified the part of the duplication containing the complete PLP1 gene to be inverted and the exact location of the invdup to be between two lamina-associated domains (LADs). On the basis of this evidence the variant was reclassified as a variant of uncertain significance (1A, 2A, 4J, total points: 0.70).